The following is an entry in ClinVar:

NM_001379291.1(BRD4):c.4020+1G>C

Gene: BRD4 (bromodomain containing 4; minus strand). Cytogenetic location: 19p13.12.
Variant type: single nucleotide variant.
Coding change: c.4020+1G>C on transcript NM_001379291.1 (MANE Select); the canonical splice donor site of the intron after coding-DNA position 4020, G replaced by C.
Molecular consequence: splice donor variant.
Genome position (GRCh38, 1-based): chr19:15,238,742, C>G on the plus strand (G>C on the coding strand, the complement: BRD4 is on the minus strand). VCF-style: chr19-15238742-C-G. GRCh37 (hg19) VCF-style: chr19-15349553-C-G.
Other names: c.4020+1G>C (NM_058243.3).
Identifiers: ClinVar variation 3775808 (VCV003775808.1).
Genomic context (GRCh38, chr19:15,238,742, plus strand): 5'-TTCCCAGCTCCCTCAGGAGCTAATCCTTAGACCAGGGTCCCCACCAGGCCTCCAGACTCA[C>G]GGCTTCCCGGCGTCTTCGCTCCTGCTCCCGCTTCCGGGCCAACTCCCTCTGCTGGTCCAG-3'

ClinVar aggregate classification (germline): Uncertain significance (1 of 4 stars; one submission).

Conditions:
Cornelia de Lange syndrome 6 (CDLS6). Identifiers: MedGen C5882712, MONDO:0957921, OMIM 620568.

Submission:

3billion
Classification: Uncertain significance for Cornelia de Lange syndrome 6. Last evaluated: 2023-12-29. Review status: criteria provided, single submitter. Criteria: ACMG Guidelines, 2015. Collection method: clinical testing. Allele origin: germline. Affected: yes.
Comment: The variant is not observed in the gnomAD v2.1.1 dataset. Predicted Consequence/Location: Canonical splice site: predicted to alter splicing and result in a loss or disruption of normal protein function. The predicted truncated protein may be shortened by less than 10%. Therefore, this variant is classified as VUS according to the recommendation of ACMG/AMP guideline.